The following is an entry in ClinVar:

ClinVar aggregate classification (germline): Uncertain significance (1 of 4 stars; one submission).

Allele frequency attached by ClinVar (database versions not stated): gnomAD exomes 0.00001.
gnomAD v4.1: 10 of 1,570,190 alleles (0.00064%); highest among the groups gnomAD compares: Non-Finnish European, 0.00087%; no homozygotes.

Submission:

Labcorp Genetics (formerly Invitae), Labcorp
Classification: Uncertain significance. Last evaluated: 2023-06-30. Review status: criteria provided, single submitter. Criteria: Invitae Variant Classification Sherloc (09022015). Collection method: clinical testing. Allele origin: germline.
Comment: Experimental studies and prediction algorithms are not available or were not evaluated, and the functional significance of this variant is currently unknown. ClinVar contains an entry for this variant (Variation ID: 1948257). This variant has not been reported in the literature in individuals affected with KIZ-related conditions. This variant is not present in population databases (gnomAD no frequency). This sequence change replaces histidine, which is basic and polar, with glutamine, which is neutral and polar, at codon 468 of the KIZ protein (p.His468Gln). In summary, the available evidence is currently insufficient to determine the role of this variant in disease. Therefore, it has been classified as a Variant of Uncertain Significance.

NM_018474.6(KIZ):c.1404T>G (p.His468Gln)

Genes: KIZ (kizuna centrosomal protein; plus strand), KIZ-AS1 (KIZ antisense RNA 1; minus strand). Cytogenetic location: 20p11.23.
Variant type: single nucleotide variant.
Coding change: c.1404T>G on transcript NM_018474.6 (MANE Select); coding-DNA position 1404, T replaced by G.
Protein change: p.His468Gln; replaces histidine 468 with glutamine.
Molecular consequence: missense variant. On other transcripts: intron variant (2).
Genome position (GRCh38, 1-based): chr20:21,205,542, T>G. VCF-style: chr20-21205542-T-G. GRCh37 (hg19) VCF-style: chr20-21186180-T-G.
Other names: c.1095T>G, p.His365Gln (NM_001163022.3); c.1005T>G, p.His335Gln (NM_001163023.3); c.1257T>G, p.His419Gln (NM_001276389.2); c.1062T>G, p.His354Gln (NM_001352436.2); c.1392+12T>G (NM_001352434.2); c.1083+12T>G (NM_001352435.2); short protein forms H365Q, H354Q, H468Q, H335Q, H419Q.
Identifiers: ClinVar variation 1948257 (VCV001948257.5), dbSNP rs2514802095, ClinGen allele CA408489225.